The following is an entry in ClinVar:

NM_015559.3(SETBP1):c.1821del (p.Ser608fs)

Gene: SETBP1 (SET binding protein 1; plus strand). Cytogenetic location: 18q12.3.
Variant type: Deletion.
Coding change: c.1821del on transcript NM_015559.3 (MANE Select); coding-DNA position 1821, one base deleted (C; older notation c.1821delC).
Protein change: p.Ser608fs; shifts the reading frame from serine 608.
Molecular consequence: frameshift variant.
Genome position (GRCh38, 1-based): chr18:44,951,161, C deleted; the last of 2 consecutive C bases (chr18:44,951,160-44,951,161); deleting either gives the same sequence. VCF-style (leftmost placement, unchanged base first): chr18-44951159-AC-A. GRCh37 (hg19) VCF-style: chr18-42531124-AC-A.
Other names: c.1821del, p.Ser608fs (LRG_1150t1); short protein forms S608fs.
Identifiers: ClinVar variation 212152 (VCV000212152.8), dbSNP rs797045952, ClinGen allele CA205650.

ClinVar aggregate classification (germline): Pathogenic (1 of 4 stars; one submission).

Conditions:
Intellectual developmental disorder, autosomal dominant 29. Also called: SETBP1 Haploinsufficiency Disorder; Intellectual disability, autosomal dominant 29. Identifiers: Orphanet 436151, MedGen C4015141, MONDO:0014482, OMIM 616078.
Schinzel-Giedion syndrome (SGS). Identifiers: Orphanet 798, MedGen C0265227, MONDO:0010010, OMIM 269150.

Submission:

Genetic Services Laboratory, University of Chicago
Classification: Pathogenic for Schinzel-Giedion midface retraction syndrome. Last evaluated: 2014-06-03. Review status: criteria provided, single submitter. Criteria: ACMG Guidelines, 2015. Collection method: clinical testing. Allele origin: germline. Affected: yes.